The following is an entry in ClinVar:

NM_001040142.2(SCN2A):c.3478G>A (p.Glu1160Lys)

Gene: SCN2A (sodium voltage-gated channel alpha subunit 2; plus strand). Cytogenetic location: 2q24.3.
Variant type: single nucleotide variant.
Coding change: c.3478G>A on transcript NM_001040142.2 (MANE Select); coding-DNA position 3478, G replaced by A.
Protein change: p.Glu1160Lys; replaces glutamic acid 1160 with lysine.
Molecular consequence: missense variant.
Genome position (GRCh38, 1-based): chr2:165,365,221, G>A. VCF-style: chr2-165365221-G-A. GRCh37 (hg19) VCF-style: chr2-166221731-G-A.
Other names: c.3478G>A, p.Glu1160Lys (NM_001040143.2, NM_001371246.1, NM_001371247.1 and 1 more transcripts); short protein forms E1160K.
Identifiers: ClinVar variation 2502612 (VCV002502612.1), dbSNP rs1553589056, ClinGen allele CA349024810.

ClinVar aggregate classification (germline): Uncertain significance (1 of 4 stars; one submission).

Submission:

GeneDx
Classification: Uncertain significance. Last evaluated: 2022-11-22. Review status: criteria provided, single submitter. Criteria: GeneDx Variant Classification Process June 2021. Collection method: clinical testing. Allele origin: germline. Affected: yes.
Comment: Not observed at significant frequency in large population cohorts (gnomAD); Missense variants in this gene are often considered pathogenic (HGMD); In silico analysis supports that this missense variant does not alter protein structure/function; Has not been previously published as pathogenic or benign to our knowledge; This substitution is predicted to be in the cytoplasmic loop between the second and third homologous domains